The following is an entry in ClinVar:

ClinVar aggregate classification (germline): Uncertain significance. Review status: criteria provided, multiple submitters, no conflicts (2 of 4 stars). 2 submissions from 2 submitters: Uncertain significance (2). Last evaluated 2025-06-13.

Conditions:
Inborn genetic diseases. Identifiers: MedGen C0950123, MeSH D030342.

Allele frequency attached by ClinVar (database versions not stated): gnomAD exomes 0.00021 and 0.00026; TOPMed 0.00046; gnomAD 0.00027 and 0.00028; 1000 Genomes Project 30x 0.00031; ExAC 0.00012; ESP Exome Variant Server 0.00016; 1000 Genomes Project 0.00040.
gnomAD v4.1: 424 of 1,612,676 alleles (0.026%); highest among the groups gnomAD compares: Admixed American, 0.08%; no homozygotes.

Submissions (2):

Ambry Genetics
Classification: Uncertain significance for Inborn genetic diseases. Last evaluated: 2025-06-13. Review status: criteria provided, single submitter. Criteria: Ambry Variant Classification Scheme 2023. Collection method: clinical testing. Allele origin: germline.

Labcorp Genetics (formerly Invitae), Labcorp
Classification: Uncertain significance. Last evaluated: 2022-09-19. Review status: criteria provided, single submitter. Criteria: Invitae Variant Classification Sherloc (09022015). Collection method: clinical testing. Allele origin: germline.
Comment: This sequence change replaces threonine, which is neutral and polar, with alanine, which is neutral and non-polar, at codon 451 of the MPDZ protein (p.Thr451Ala). This variant is present in population databases (rs201448499, gnomAD 0.05%). This variant has not been reported in the literature in individuals affected with MPDZ-related conditions. ClinVar contains an entry for this variant (Variation ID: 1063028). Algorithms developed to predict the effect of missense changes on protein structure and function (SIFT, PolyPhen-2, Align-GVGD) all suggest that this variant is likely to be disruptive. In summary, the available evidence is currently insufficient to determine the role of this variant in disease. Therefore, it has been classified as a Variant of Uncertain Significance.

NM_001378778.1(MPDZ):c.1351A>G (p.Thr451Ala)

Gene: MPDZ (multiple PDZ domain crumbs cell polarity complex component; minus strand). Cytogenetic location: 9p23.
Variant type: single nucleotide variant.
Coding change: c.1351A>G on transcript NM_001378778.1 (MANE Select); coding-DNA position 1351, A replaced by G.
Protein change: p.Thr451Ala; replaces threonine 451 with alanine.
Molecular consequence: missense variant.
Genome position (GRCh38, 1-based): chr9:13,206,039, T>C on the plus strand (A>G on the coding strand, the complement: MPDZ is on the minus strand). VCF-style: chr9-13206039-T-C. GRCh37 (hg19) VCF-style: chr9-13206038-T-C.
Other names: c.1351A>G, p.Thr451Ala (NM_001261406.2, NM_001261407.2, NM_001330637.2 and 14 more transcripts); c.1351A>G (NM_003829.3); short protein forms T451A.
Identifiers: ClinVar variation 1063028 (VCV001063028.6), dbSNP rs201448499, ClinGen allele CA4987804.
Genomic context (GRCh38, chr9:13,206,039, plus strand): 5'-TGAGCTCGGCTTCCTGCTTCATTCCTCTCCTCATTAGTGTCAGGAGCACAGTTTGTCCTG[T>C]ATGTCGCAATACCTCTACTGCTTGCTGATTAGTAAAACCCTGAAGGTTTGTGCCATCTAC-3'
Protein context (NP_001365707.1, residues 441-461): NQQAVEVLRH[Thr451Ala]GQTVLLTLMR